The following is an entry in ClinVar:

ClinVar aggregate classification (germline): Uncertain significance. Review status: criteria provided, multiple submitters, no conflicts (2 of 4 stars). 2 submissions from 2 submitters: Uncertain significance (2). Last evaluated 2023-10-23.

Conditions:
Parkinson disease 17 (PARK17). Also called: VPS35-Related Parkinson Disease. Identifiers: Orphanet 411602, MedGen C3280133, MONDO:0013625, OMIM 614203.

Allele frequency attached by ClinVar (database versions not stated): gnomAD 0.00003 and 0.00004; TOPMed 0.00006.
gnomAD v4.1: 105 of 1,612,090 alleles (0.0065%); highest among the groups gnomAD compares: Non-Finnish European, 0.0087%; no homozygotes.

Submissions (2):

Mayo Clinic Laboratories, Mayo Clinic
Classification: Uncertain significance. Last evaluated: 2023-10-23. Review status: criteria provided, single submitter. Criteria: ACMG Guidelines, 2015. Collection method: clinical testing. Allele origin: germline. Observed: 1 variant allele.
Comment: BP4

Labcorp Genetics (formerly Invitae), Labcorp
Classification: Uncertain significance for Parkinson disease 17. Last evaluated: 2021-12-03. Review status: criteria provided, single submitter. Criteria: Invitae Variant Classification Sherloc (09022015). Collection method: clinical testing. Allele origin: germline.
Comment: In summary, the available evidence is currently insufficient to determine the role of this variant in disease. Therefore, it has been classified as a Variant of Uncertain Significance. Algorithms developed to predict the effect of missense changes on protein structure and function (SIFT, PolyPhen-2, Align-GVGD) all suggest that this variant is likely to be tolerated. This variant has not been reported in the literature in individuals affected with VPS35-related conditions. This variant is present in population databases (rs777006799, gnomAD 0.007%). This sequence change replaces asparagine, which is neutral and polar, with serine, which is neutral and polar, at codon 37 of the VPS35 protein (p.Asn37Ser).

NM_018206.6(VPS35):c.110A>G (p.Asn37Ser)

Gene: VPS35 (VPS35 retromer complex component; minus strand). Cytogenetic location: 16q11.2.
Variant type: single nucleotide variant.
Coding change: c.110A>G on transcript NM_018206.6 (MANE Select); coding-DNA position 110, A replaced by G.
Protein change: p.Asn37Ser; replaces asparagine 37 with serine.
Molecular consequence: missense variant.
Genome position (GRCh38, 1-based): chr16:46,682,168, T>C on the plus strand (A>G on the coding strand, the complement: VPS35 is on the minus strand). VCF-style: chr16-46682168-T-C. GRCh37 (hg19) VCF-style: chr16-46716080-T-C.
Other names: p.Asn37Ser; short protein forms N37S.
Identifiers: ClinVar variation 1489932 (VCV001489932.7), dbSNP rs777006799, ClinGen allele CA8037108.